The following is an entry in ClinVar:

ClinVar aggregate classification (germline): Uncertain significance (1 of 4 stars; one submission).

Submission:

CeGaT Center for Human Genetics Tuebingen
Classification: Uncertain significance. Last evaluated: 2024-10-01. Review status: criteria provided, single submitter. Criteria: CeGaT Center For Human Genetics Tuebingen Variant Classification Criteria Version 2. Collection method: clinical testing. Allele origin: germline. Affected: yes. Observed: 1 variant allele.
Comment: KMT5B: PM2, BP4

NM_017635.5(KMT5B):c.2408G>A (p.Ser803Asn)

Gene: KMT5B (lysine methyltransferase 5B; minus strand). Cytogenetic location: 11q13.2.
Variant type: single nucleotide variant.
Coding change: c.2408G>A on transcript NM_017635.5 (MANE Select); coding-DNA position 2408, G replaced by A.
Protein change: p.Ser803Asn; replaces serine 803 with asparagine.
Molecular consequence: missense variant.
Genome position (GRCh38, 1-based): chr11:68,157,938, C>T on the plus strand (G>A on the coding strand, the complement: KMT5B is on the minus strand). VCF-style: chr11-68157938-C-T. GRCh37 (hg19) VCF-style: chr11-67925405-C-T.
Other names: c.1892G>A, p.Ser631Asn (NM_001300907.1, NM_001369428.1, NM_001369429.1 and 4 more transcripts); c.1688G>A, p.Ser563Asn (NM_001300908.2); c.2408G>A, p.Ser803Asn (NM_001369426.1); short protein forms S563N, S631N, S803N.
Identifiers: ClinVar variation 3389898 (VCV003389898.14).